The following is an entry in ClinVar:

NM_000053.4(ATP7B):c.1949G>A (p.Trp650Ter)

Gene: ATP7B (ATPase copper transporting beta; minus strand). Cytogenetic location: 13q14.3.
Variant type: single nucleotide variant.
Coding change: c.1949G>A on transcript NM_000053.4 (MANE Select); coding-DNA position 1949, G replaced by A.
Protein change: p.Trp650Ter; replaces tryptophan 650 with a stop codon.
Molecular consequence: nonsense. On other transcripts: intron variant (2).
Genome position (GRCh38, 1-based): chr13:51,960,320, C>T on the plus strand (G>A on the coding strand, the complement: ATP7B is on the minus strand). VCF-style: chr13-51960320-C-T. GRCh37 (hg19) VCF-style: chr13-52534456-C-T.
Other names: c.1616G>A, p.Trp539Ter (NM_001243182.2); c.1949G>A, p.Trp650Ter (NM_001330578.2, NM_001406511.1, NM_001406512.1 and 16 more transcripts); c.1916G>A, p.Trp639Ter (NM_001406514.1, NM_001406524.1); c.1853G>A, p.Trp618Ter (NM_001406517.1, NM_001406518.1, NM_001406530.1 and 1 more transcripts); c.1520G>A, p.Trp507Ter (NM_001406539.1); c.1870-2713G>A (NM_001005918.3); c.1870-1776G>A (NM_001330579.2); c.1949G>A (NM_000053.3); short protein forms W539*, W639*, W507*, W618*, W650*.
Identifiers: ClinVar variation 1938103 (VCV001938103.10), dbSNP rs375542827, ClinGen allele CA250060448.

ClinVar aggregate classification (germline): Pathogenic/Likely pathogenic. Review status: criteria provided, multiple submitters, no conflicts (2 of 4 stars). 5 submissions from 5 submitters: Pathogenic (2); Likely pathogenic (3). Last evaluated 2025-12-01.

Conditions:
Wilson disease (WND). Also called: Wilson's disease. Identifiers: Orphanet 905, MedGen C0019202, MONDO:0010200, OMIM 277900. Disease mechanism: loss of function.

Allele frequency attached by ClinVar (database versions not stated): gnomAD exomes below 0.00001; TOPMed 0.00001; ESP Exome Variant Server 0.00008.
gnomAD v4.1: 4 of 1,613,026 alleles (0.00025%); highest among the groups gnomAD compares: East Asian, 0.0022%; no homozygotes.

Submissions (5):

Labcorp Genetics (formerly Invitae), Labcorp
Classification: Pathogenic for Wilson disease. Last evaluated: 2025-12-01. Review status: criteria provided, single submitter. Criteria: Invitae Variant Classification Sherloc (09022015). Collection method: clinical testing. Allele origin: germline.
Comment: This sequence change creates a premature translational stop signal (p.Trp650*) in the ATP7B gene. It is expected to result in an absent or disrupted protein product. Loss-of-function variants in ATP7B are known to be pathogenic (PMID: 10441329, 16283883). This variant is not present in population databases (gnomAD no frequency). This premature translational stop signal has been observed in individual(s) with Wilson disease (PMID: 11405812). ClinVar contains an entry for this variant (Variation ID: 1938103). For these reasons, this variant has been classified as Pathogenic.

First Genomix Gene Laboratory, Genetic Diagnostics Department
Classification: Likely pathogenic for Wilson disease. Last evaluated: 2025-03-28. Review status: criteria provided, single submitter. Criteria: ACMG Guidelines, 2015. Collection method: clinical testing. Allele origin: germline. Inheritance: Autosomal recessive inheritance. Affected: no. Observed: 1 variant allele.

Natera, Inc.
Classification: Likely pathogenic for Wilson disease. Last evaluated: 2024-09-26. Review status: criteria provided, single submitter. Criteria: Natera Variant Classification Schema (03/2026). Collection method: clinical testing. Allele origin: germline.
Comment: The c.1949G>A variant in ATP7B is a nonsense variant predicted to introduce a stop codon at amino acid 650. This variant is expected to result in nonsense mediated decay, truncation, or a dysfunctional protein product. This variant is rare in the general population with a frequency below the threshold expected for the associated phenotype(s). Given the available evidence, this variant is classified as Likely Pathogenic.

Baylor Genetics
Classification: Pathogenic for Wilson disease. Last evaluated: 2024-03-08. Review status: criteria provided, single submitter. Criteria: ACMG Guidelines, 2015. Collection method: clinical testing. Allele origin: unknown.

Fulgent Genetics
Classification: Likely pathogenic for Wilson disease. Last evaluated: 2024-02-01. Review status: criteria provided, single submitter. Criteria: ACMG Guidelines, 2015. Collection method: clinical testing. Allele origin: germline.

Literature cited by the submitters: PubMed 10441329 (cited by Labcorp Genetics (formerly Invitae), Labcorp); PubMed 16283883 (cited by Labcorp Genetics (formerly Invitae), Labcorp); PubMed 11405812 (cited by Labcorp Genetics (formerly Invitae), Labcorp).